The following is an entry in ClinVar:

ClinVar aggregate classification (germline): Uncertain significance (1 of 4 stars; one submission).

Conditions:
Progressive familial heart block type IB (PFHB1B). Identifiers: Orphanet 871, MedGen C1970298, MONDO:0011474, OMIM 604559.

gnomAD v4.1: 1 of 1,613,888 alleles (0.000062%); highest among the groups gnomAD compares: Non-Finnish European, 0.000085%; no homozygotes.

Submission:

Labcorp Genetics (formerly Invitae), Labcorp
Classification: Uncertain significance for Progressive familial heart block type IB. Last evaluated: 2023-03-13. Review status: criteria provided, single submitter. Criteria: Invitae Variant Classification Sherloc (09022015). Collection method: clinical testing. Allele origin: germline.
Comment: In summary, the available evidence is currently insufficient to determine the role of this variant in disease. Therefore, it has been classified as a Variant of Uncertain Significance. An algorithm developed to predict the effect of missense changes on protein structure and function (PolyPhen-2) suggests that this variant is likely to be tolerated. This variant has not been reported in the literature in individuals affected with TRPM4-related conditions. This variant is not present in population databases (gnomAD no frequency). This sequence change replaces glycine, which is neutral and non-polar, with arginine, which is basic and polar, at codon 324 of the TRPM4 protein (p.Gly324Arg).

NM_017636.4(TRPM4):c.970G>C (p.Gly324Arg)

Gene: TRPM4 (transient receptor potential cation channel subfamily M member 4; plus strand). Cytogenetic location: 19q13.33.
Variant type: single nucleotide variant.
Coding change: c.970G>C on transcript NM_017636.4 (MANE Select); coding-DNA position 970, G replaced by C.
Protein change: p.Gly324Arg; replaces glycine 324 with arginine.
Molecular consequence: missense variant. On other transcripts: 5 prime UTR variant (1).
Genome position (GRCh38, 1-based): chr19:49,171,689, G>C. VCF-style: chr19-49171689-G-C. GRCh37 (hg19) VCF-style: chr19-49674946-G-C.
Other names: c.970G>C, p.Gly324Arg (NM_001195227.2); c.625G>C, p.Gly209Arg (NM_001321281.2); c.-584G>C (NM_001321282.2); c.448G>C, p.Gly150Arg (NM_001321283.2); c.121G>C, p.Gly41Arg (NM_001321285.2); short protein forms G324R, G41R, G150R, G209R.
Identifiers: ClinVar variation 2887480 (VCV002887480.3), dbSNP rs548064960, ClinGen allele CA406794191.